The following is an entry in ClinVar:

NM_001377142.1(PLCB4):c.*1766G>A

Gene: PLCB4 (phospholipase C beta 4; plus strand). Cytogenetic location: 20p12.2.
Variant type: single nucleotide variant.
Coding change: c.*1766G>A on transcript NM_001377142.1 (MANE Select); 1766 bases downstream of the stop codon, G replaced by A.
Molecular consequence: 3 prime UTR variant.
Genome position (GRCh38, 1-based): chr20:9,480,775, G>A. VCF-style: chr20-9480775-G-A. GRCh37 (hg19) VCF-style: chr20-9461422-G-A.
Other names: c.*1766G>A (NM_000933.4, NM_001377134.2, NM_001377135.1 and 1 more transcripts); c.*1786G>A (NM_001172646.2, NM_001377136.1, NM_182797.3).
Identifiers: ClinVar variation 339618 (VCV000339618.5), dbSNP rs189786768, ClinGen allele CA10650316.

ClinVar aggregate classification (germline): Benign (1 of 4 stars; one submission).

Conditions:
Auriculocondylar syndrome 2 (ARCND2A). Also called: AURICULOCONDYLAR SYNDROME 2A. Identifiers: Orphanet 137888, MedGen C3553404, MONDO:0013845, OMIM 614669.

Allele frequency attached by ClinVar (database versions not stated): gnomAD 0.00007 and 0.00011; TOPMed 0.00008; 1000 Genomes Project 0.00080; 1000 Genomes Project 30x 0.00094.

Submission:

Illumina Laboratory Services, Illumina
Classification: Benign for Auriculocondylar syndrome 2. Last evaluated: 2018-01-13. Review status: criteria provided, single submitter. Criteria: ICSL Variant Classification Criteria 13 December 2019. Collection method: clinical testing. Allele origin: germline.
Comment: This variant was observed in the ICSL laboratory as part of a predisposition screen in an ostensibly healthy population. It had not been previously curated by ICSL or reported in the Human Gene Mutation Database (HGMD: prior to June 1st, 2018), and was therefore a candidate for classification through an automated scoring system. Utilizing variant allele frequency, disease prevalence and penetrance estimates, and inheritance mode, an automated score was calculated to assess if this variant is too frequent to cause the disease. Based on the score and internal cut-off values, a variant classified as benign is not then subjected to further curation. The score for this variant resulted in a classification of benign for this disease.